The following is an entry in ClinVar:

ClinVar aggregate classification (germline): Uncertain significance (1 of 4 stars; one submission).

Allele frequency attached by ClinVar (database versions not stated): ExAC 0.00036.
gnomAD v4.1: 14 of 1,448,962 alleles (0.00097%); highest among the groups gnomAD compares: South Asian, 0.0014%; no homozygotes.

Submission:

Labcorp Genetics (formerly Invitae), Labcorp
Classification: Uncertain significance. Last evaluated: 2021-01-29. Review status: criteria provided, single submitter. Criteria: Invitae Variant Classification Sherloc (09022015). Collection method: clinical testing. Allele origin: germline.
Comment: In summary, the available evidence is currently insufficient to determine the role of this variant in disease. Therefore, it has been classified as a Variant of Uncertain Significance. Algorithms developed to predict the effect of missense changes on protein structure and function are either unavailable or do not agree on the potential impact of this missense change (SIFT: "Not Available"; PolyPhen-2: "Possibly Damaging"; Align-GVGD: "Not Available"). This variant has not been reported in the literature in individuals with CFD-related conditions. While this variant is present in population databases (rs755875279), the frequency information is unreliable, as metrics indicate poor data quality at this position in the ExAC database. This sequence change replaces alanine with valine at codon 20 of the CFD protein (p.Ala20Val). The alanine residue is moderately conserved and there is a small physicochemical difference between alanine and valine.

NM_001928.4(CFD):c.59C>T (p.Ala20Val)

Gene: CFD (complement factor D; plus strand). Cytogenetic location: 19p13.3.
Variant type: single nucleotide variant.
Coding change: c.59C>T on transcript NM_001928.4 (MANE Select); coding-DNA position 59, C replaced by T.
Protein change: p.Ala20Val; replaces alanine 20 with valine.
Molecular consequence: missense variant.
Genome position (GRCh38, 1-based): chr19:860,620, C>T. VCF-style: chr19-860620-C-T. GRCh37 (hg19) VCF-style: chr19-860620-C-T.
Other names: c.80C>T, p.Ala27Val (NM_001317335.2); short protein forms A20V, A27V.
Identifiers: ClinVar variation 1475324 (VCV001475324.6), dbSNP rs755875279, ClinGen allele CA9026217.